The following is an entry in ClinVar:

ClinVar aggregate classification (germline): Uncertain significance. Review status: criteria provided, multiple submitters, no conflicts (2 of 4 stars). 2 submissions from 2 submitters: Uncertain significance (2). Last evaluated 2025-08-02.

gnomAD v4.1: 10 of 1,614,224 alleles (0.00062%); highest among the groups gnomAD compares: Non-Finnish European, 0.00085%; no homozygotes.

Submissions (2):

Ambry Genetics
Classification: Uncertain significance. Last evaluated: 2025-08-02. Review status: criteria provided, single submitter. Criteria: Ambry Variant Classification Scheme 2023. Collection method: clinical testing. Allele origin: germline.

Labcorp Genetics (formerly Invitae), Labcorp
Classification: Uncertain significance. Last evaluated: 2024-07-22. Review status: criteria provided, single submitter. Criteria: Invitae Variant Classification Sherloc (09022015). Collection method: clinical testing. Allele origin: germline.
Comment: This sequence change replaces threonine, which is neutral and polar, with serine, which is neutral and polar, at codon 60 of the CEP89 protein (p.Thr60Ser). This variant is present in population databases (rs754488442, gnomAD 0.002%). This variant has not been reported in the literature in individuals affected with CEP89-related conditions. An algorithm developed to predict the effect of missense changes on protein structure and function (PolyPhen-2) suggests that this variant is likely to be disruptive. In summary, the available evidence is currently insufficient to determine the role of this variant in disease. Therefore, it has been classified as a Variant of Uncertain Significance.

NM_032816.5(CEP89):c.178A>T (p.Thr60Ser)

Gene: CEP89 (centrosomal protein 89; minus strand). Cytogenetic location: 19q13.11.
Variant type: single nucleotide variant.
Coding change: c.178A>T on transcript NM_032816.5 (MANE Select); coding-DNA position 178, A replaced by T.
Protein change: p.Thr60Ser; replaces threonine 60 with serine.
Molecular consequence: missense variant.
Genome position (GRCh38, 1-based): chr19:32,960,027, T>A on the plus strand (A>T on the coding strand, the complement: CEP89 is on the minus strand). VCF-style: chr19-32960027-T-A. GRCh37 (hg19) VCF-style: chr19-33450933-T-A.
Other names: c.178A>T (NM_032816.3); short protein forms T60S.
Identifiers: ClinVar variation 3710939 (VCV003710939.3).